The following is an entry in ClinVar:

NM_172107.4(KCNQ2):c.1302-162_1511delinsA

Gene: KCNQ2 (potassium voltage-gated channel subfamily Q member 2; minus strand). Cytogenetic location: 20q13.33.
Variant type: Indel.
Coding change: c.1302-162_1511delinsA on transcript NM_172107.4 (MANE Select); 162 bases into the intron before coding-DNA position 1302 through coding-DNA position 1511, the reference bases replaced by A.
Molecular consequence: splice acceptor variant.
Genome position (GRCh38, 1-based): chr20:63,414,917-63,415,288, 372 bases replaced. GRCh37 (hg19): chr20:62,046,270-62,046,641.
Other names: c.1218-162_1427delinsA (NM_004518.6); c.1248-198_1421delinsA (NM_172108.5); c.1248-162_1457delinsA (NM_172106.3, NM_001382235.1).
Identifiers: ClinVar variation 2856379 (VCV002856379.3), dbSNP rs2516185345, ClinGen allele CA2739277255.

ClinVar aggregate classification (germline): Likely pathogenic (1 of 4 stars; one submission).

Conditions:
Early-infantile DEE. Also called: Ohtahara syndrome; Early infantile epileptic encephalopathy with suppression bursts; Early infantile epileptic encephalopathy. Identifiers: Orphanet 1934, MedGen C0393706, MONDO:0800491.

Submission:

Labcorp Genetics (formerly Invitae), Labcorp
Classification: Likely pathogenic for Early-infantile DEE. Last evaluated: 2023-04-14. Review status: criteria provided, single submitter. Criteria: Invitae Variant Classification Sherloc (09022015). Collection method: clinical testing. Allele origin: germline.
Comment: In summary, the currently available evidence indicates that the variant is pathogenic, but additional data are needed to prove that conclusively. Therefore, this variant has been classified as Likely Pathogenic. This variant has been observed in individual(s) with KCNQ2-related conditions (Invitae). This variant results in the deletion of part of exon 13 (c.1302-162_1511delinsA) of the KCNQ2 gene. It is expected to disrupt RNA splicing. Variants that disrupt the donor or acceptor splice site typically lead to a loss of protein function (PMID: 16199547), and loss-of-function variants in KCNQ2 are known to be pathogenic (PMID: 14534157, 23692823, 27779742).

Literature cited by the submitters: PubMed 16199547; PubMed 14534157; PubMed 23692823; PubMed 27779742.